The following is an entry in ClinVar:

NM_001127208.3(TET2):c.20A>T (p.Asn7Ile)

Genes: TET2 (tet methylcytosine dioxygenase 2; plus strand), TET2-AS1 (TET2 antisense RNA 1; minus strand). Cytogenetic location: 4q24.
Variant type: single nucleotide variant.
Coding change: c.20A>T on transcript NM_001127208.3 (MANE Select); coding-DNA position 20, A replaced by T.
Protein change: p.Asn7Ile; replaces asparagine 7 with isoleucine.
Molecular consequence: missense variant.
Genome position (GRCh38, 1-based): chr4:105,233,962, A>T. VCF-style: chr4-105233962-A-T. GRCh37 (hg19) VCF-style: chr4-106155119-A-T.
Other names: c.20A>T, p.Asn7Ile (NM_017628.4); short protein forms N7I.
Identifiers: ClinVar variation 5030731 (VCV005030731.1).

ClinVar aggregate classification (germline): Uncertain significance (1 of 4 stars; one submission).

Submission:

Ambry Genetics
Classification: Uncertain significance. Last evaluated: 2026-08-02. Review status: criteria provided, single submitter. Criteria: Ambry Variant Classification Scheme 2023. Collection method: clinical testing. Allele origin: germline.
Comment: The p.N7I variant (also known as c.20A>T), located in coding exon 1 of the TET2 gene, results from an A to T substitution at nucleotide position 20. The asparagine at codon 7 is replaced by isoleucine, an amino acid with dissimilar properties. This amino acid position is conserved. In addition, this alteration is predicted to be tolerated by in silico analysis. Based on the available evidence, the clinical significance of this variant remains unclear.